The following is an entry in ClinVar:

ClinVar aggregate classification (germline): Uncertain significance (1 of 4 stars; one submission).

Conditions:
BCOR-related disorder. Also called: BCOR-related disorders; BCOR-related condition.

Submission:

PreventionGenetics, part of Exact Sciences
Classification: Uncertain significance for BCOR-related condition. Last evaluated: 2025-12-06. Review status: criteria provided, single submitter. Criteria: ACMG Guidelines, 2015. Collection method: clinical testing. Allele origin: germline.
Comment: The BCOR c.800T>A variant is predicted to result in the amino acid substitution p.Leu267His. To our knowledge, this variant has not been reported in the literature or in a large population database (gnomAD), indicating this variant is rare. At this time, the clinical significance of this variant is uncertain due to the absence of conclusive functional and genetic evidence.

NM_001123385.2(BCOR):c.800T>A (p.Leu267His)

Genes: BCOR (BCL6 corepressor; minus strand), LOC126863239 (MED14-independent group 3 enhancer GRCh37_chrX:39932994-39934193; plus strand). Cytogenetic location: Xp11.4.
Variant type: single nucleotide variant.
Coding change: c.800T>A on transcript NM_001123385.2 (MANE Select); coding-DNA position 800, T replaced by A.
Protein change: p.Leu267His; replaces leucine 267 with histidine.
Molecular consequence: missense variant.
Genome position (GRCh38, 1-based): chrX:40,074,546, A>T on the plus strand (T>A on the coding strand, the complement: BCOR is on the minus strand). VCF-style: chrX-40074546-A-T. GRCh37 (hg19) VCF-style: chrX-39933799-A-T.
Other names: c.800T>A, p.Leu267His (NM_001123383.2, NM_001123384.2, NM_001437510.1 and 4 more transcripts); short protein forms L267H.
Identifiers: ClinVar variation 4992138 (VCV004992138.1).
Genomic context (GRCh38, chrX:40,074,546, plus strand): 5'-AGGCTTTTGTCTGCGCAATGGACGAGAGGCGGGATGGCTGGGGAGGCCGAAGGTGTCGAG[A>T]GCCTCATGGGTGATGCCAAGGACGATGGGATGTGGGGACCGACGTAGTGAGGTGGCGGCA-3'
Protein context (NP_001116857.1, residues 257-277): IPSSLASPMR[Leu267His]STPSASPAIP